The following is an entry in ClinVar:

NM_002336.3(LRP6):c.2791+3A>G

Gene: LRP6 (LDL receptor related protein 6; minus strand). Cytogenetic location: 12p13.2.
Variant type: single nucleotide variant.
Coding change: c.2791+3A>G on transcript NM_002336.3 (MANE Select); 3 bases into the intron after coding-DNA position 2791, A replaced by G.
Molecular consequence: intron variant.
Genome position (GRCh38, 1-based): chr12:12,158,826, T>C on the plus strand (A>G on the coding strand, the complement: LRP6 is on the minus strand). VCF-style: chr12-12158826-T-C. GRCh37 (hg19) VCF-style: chr12-12311760-T-C.
Other names: c.2791+3A>G (NM_001414245.1, NM_001414251.1, NM_001414246.1 and 4 more transcripts); c.2338+3A>G (NM_001414253.1, NM_001414252.1, NM_001414254.1); c.2593+3A>G (NM_001414247.1); c.2284+3A>G (NM_001414255.1).
Identifiers: ClinVar variation 2967573 (VCV002967573.3), dbSNP rs779720996, ClinGen allele CA6455397.

ClinVar aggregate classification (germline): Uncertain significance (1 of 4 stars; one submission).

Allele frequency attached by ClinVar (database versions not stated): gnomAD exomes 0.00001; ExAC 0.00002; TOPMed 0.00002.
gnomAD v4.1: 22 of 1,613,872 alleles (0.0014%); highest among the groups gnomAD compares: Admixed American, 0.022%; no homozygotes.

Submission:

Labcorp Genetics (formerly Invitae), Labcorp
Classification: Uncertain significance. Last evaluated: 2024-01-16. Review status: criteria provided, single submitter. Criteria: Invitae Variant Classification Sherloc (09022015). Collection method: clinical testing. Allele origin: germline.
Comment: This sequence change falls in intron 12 of the LRP6 gene. It does not directly change the encoded amino acid sequence of the LRP6 protein. It affects a nucleotide within the consensus splice site. This variant is present in population databases (rs779720996, gnomAD 0.03%). This variant has not been reported in the literature in individuals affected with LRP6-related conditions. Variants that disrupt the consensus splice site are a relatively common cause of aberrant splicing (PMID: 17576681, 9536098). Algorithms developed to predict the effect of sequence changes on RNA splicing suggest that this variant may disrupt the consensus splice site. In summary, the available evidence is currently insufficient to determine the role of this variant in disease. Therefore, it has been classified as a Variant of Uncertain Significance.

Literature cited by the submitters: PubMed 17576681; PubMed 9536098.